The following is an entry in ClinVar:

NM_021098.3(CACNA1H):c.1647G>T (p.Arg549Ser)

Gene: CACNA1H (calcium voltage-gated channel subunit alpha1 H; plus strand). Cytogenetic location: 16p13.3.
Variant type: single nucleotide variant.
Coding change: c.1647G>T on transcript NM_021098.3 (MANE Select); coding-DNA position 1647, G replaced by T.
Protein change: p.Arg549Ser; replaces arginine 549 with serine.
Molecular consequence: missense variant.
Genome position (GRCh38, 1-based): chr16:1,202,097, G>T. VCF-style: chr16-1202097-G-T. GRCh37 (hg19) VCF-style: chr16-1252097-G-T.
Other names: c.1647G>T, p.Arg549Ser (NM_001005407.2); short protein forms R549S.
Identifiers: ClinVar variation 1720984 (VCV001720984.5), dbSNP rs1484981805, ClinGen allele CA394161772.

ClinVar aggregate classification (germline): Uncertain significance (1 of 4 stars; one submission).

Conditions:
Idiopathic generalized epilepsy. Also called: EIG; Generalised epilepsy. Identifiers: MedGen C0270850, MONDO:0005579, OMIM 600669.
Hyperaldosteronism, familial, type IV (HALD4). Also called: FH IV; ALDOSTERONISM, PRIMARY, AND HYPERTENSION. Identifiers: Orphanet 642671, MedGen C4310756, MONDO:0014875, OMIM 617027.

Allele frequency attached by ClinVar (database versions not stated): TOPMed below 0.00001; gnomAD 0.00001.

Submission:

Labcorp Genetics (formerly Invitae), Labcorp
Classification: Uncertain significance for Idiopathic generalized epilepsy; Hyperaldosteronism, familial, type IV. Last evaluated: 2023-08-17. Review status: criteria provided, single submitter. Criteria: Invitae Variant Classification Sherloc (09022015). Collection method: clinical testing. Allele origin: germline.
Comment: This sequence change replaces arginine, which is basic and polar, with serine, which is neutral and polar, at codon 549 of the CACNA1H protein (p.Arg549Ser). This variant is not present in population databases (gnomAD no frequency). This variant has not been reported in the literature in individuals affected with CACNA1H-related conditions. ClinVar contains an entry for this variant (Variation ID: 1720984). Advanced modeling of protein sequence and biophysical properties (such as structural, functional, and spatial information, amino acid conservation, physicochemical variation, residue mobility, and thermodynamic stability) performed at Invitae indicates that this missense variant is not expected to disrupt CACNA1H protein function. In summary, the available evidence is currently insufficient to determine the role of this variant in disease. Therefore, it has been classified as a Variant of Uncertain Significance.